The following is an entry in ClinVar:

NM_024675.4(PALB2):c.2906T>A (p.Val969Glu)

Gene: PALB2 (partner and localizer of BRCA2; minus strand). Cytogenetic location: 16p12.2.
Variant type: single nucleotide variant.
Coding change: c.2906T>A on transcript NM_024675.4 (MANE Select); coding-DNA position 2906, T replaced by A.
Protein change: p.Val969Glu; replaces valine 969 with glutamic acid.
Molecular consequence: missense variant.
Genome position (GRCh38, 1-based): chr16:23,623,059, A>T on the plus strand (T>A on the coding strand, the complement: PALB2 is on the minus strand). VCF-style: chr16-23623059-A-T. GRCh37 (hg19) VCF-style: chr16-23634380-A-T.
Other names: short protein forms V969E.
Identifiers: ClinVar variation 530067 (VCV000530067.10), dbSNP rs1555459561, ClinGen allele CA395144244.

ClinVar aggregate classification (germline): Uncertain significance (1 of 4 stars; one submission).

Conditions:
Familial cancer of breast. Also called: BREAST CANCER, FAMILIAL; Hereditary breast cancer; hereditary breast carcinoma. Identifiers: Orphanet 227535, MedGen C0346153, MONDO:0016419, OMIM 114480. Disease mechanism: loss of function.

Submission:

Labcorp Genetics (formerly Invitae), Labcorp
Classification: Uncertain significance for Familial cancer of breast. Last evaluated: 2018-10-24. Review status: criteria provided, single submitter. Criteria: Invitae Variant Classification Sherloc (09022015). Collection method: clinical testing. Allele origin: germline.
Comment: This sequence change replaces valine with glutamic acid at codon 969 of the PALB2 protein (p.Val969Glu). The valine residue is moderately conserved and there is a moderate physicochemical difference between valine and glutamic acid. This variant is not present in population databases (ExAC no frequency). This variant has not been reported in the literature in individuals with PALB2-related disease. Algorithms developed to predict the effect of missense changes on protein structure and function do not agree on the potential impact of this missense change (SIFT: "Deleterious"; PolyPhen-2: "Probably Damaging"; Align-GVGD: "Class C15"). In summary, the available evidence is currently insufficient to determine the role of this variant in disease. Therefore, it has been classified as a Variant of Uncertain Significance.